The following is an entry in ClinVar:

NM_000095.3(COMP):c.1553_1555del (p.Asp518del)

Gene: COMP (cartilage oligomeric matrix protein; minus strand). Cytogenetic location: 19p13.11.
Variant type: Deletion.
Coding change: c.1553_1555del on transcript NM_000095.3 (MANE Select); coding-DNA positions 1553 to 1555, 3 bases deleted (ACG; older notation c.1553_1555delACG).
Protein change: p.Asp518del; deletes aspartic acid 518.
Genome position (GRCh38, 1-based): chr19:18,785,786-18,785,788, CGT deleted on the plus strand (ACG on the coding strand, the reverse complement: COMP is on the minus strand); deleting any 3 consecutive bases within chr19:18,785,786-18,785,790 gives the same sequence; the c. name uses the placement nearest the transcript's 3' end. VCF-style (leftmost placement, unchanged base first): chr19-18785785-ACGT-A. GRCh37 (hg19) VCF-style: chr19-18896595-ACGT-A.
Other names: short protein forms D518del.
Identifiers: ClinVar variation 3661123 (VCV003661123.2).

ClinVar aggregate classification (germline): Uncertain significance (1 of 4 stars; one submission).

Submission:

Labcorp Genetics (formerly Invitae), Labcorp
Classification: Uncertain significance. Last evaluated: 2025-03-04. Review status: criteria provided, single submitter. Criteria: Invitae Variant Classification Sherloc (09022015). Collection method: clinical testing. Allele origin: germline.
Comment: This variant, c.1553_1555del, results in the deletion of 1 amino acid(s) of the COMP protein (p.Asp518del), but otherwise preserves the integrity of the reading frame. This variant is not present in population databases (gnomAD no frequency). This variant has not been reported in the literature in individuals affected with COMP-related conditions. Experimental studies and prediction algorithms are not available or were not evaluated, and the functional significance of this variant is currently unknown. In summary, the available evidence is currently insufficient to determine the role of this variant in disease. Therefore, it has been classified as a Variant of Uncertain Significance.